The following is an entry in ClinVar:

NM_004183.4(BEST1):c.240C>A (p.Phe80Leu)

Gene: BEST1 (bestrophin 1; plus strand). Cytogenetic location: 11q12.3.
Variant type: single nucleotide variant.
Coding change: c.240C>A on transcript NM_004183.4 (MANE Select); coding-DNA position 240, C replaced by A.
Protein change: p.Phe80Leu; replaces phenylalanine 80 with leucine.
Molecular consequence: missense variant. On other transcripts: non-coding transcript variant (1).
Genome position (GRCh38, 1-based): chr11:61,955,194, C>A. VCF-style: chr11-61955194-C-A. GRCh37 (hg19) VCF-style: chr11-61722666-C-A.
Other names: c.60C>A, p.Phe20Leu (NM_001139443.3, NM_001300786.2, NM_001300787.2); c.240C>A, p.Phe80Leu (NM_001363592.2); short protein forms F80L, F20L.
Identifiers: ClinVar variation 99695 (VCV000099695.15), dbSNP rs281865221, ClinGen allele CA227745.

ClinVar aggregate classification (germline): Pathogenic. Review status: criteria provided, multiple submitters, no conflicts (2 of 4 stars). 6 submissions from 6 submitters: Pathogenic (5). 1 of the submissions does not count toward it. Last evaluated 2025-10-16.

Conditions:
BEST1-related disorder. Also called: BEST1-related condition; BEST1-related disorders. Identifiers: MedGen CN239200.
Vitelliform macular dystrophy 2. Also called: VITELLIFORM MACULAR DYSTROPHY, EARLY-ONSET; VITELLIFORM MACULAR DYSTROPHY, JUVENILE-ONSET; MACULAR DEGENERATION, POLYMORPHIC VITELLINE; Best Vitelliform Macular Dystrophy (BVMD); Best vitelliform macular dystrophy, multifocal; Best Macular Dystrophy. Identifiers: Orphanet 1243, MedGen C2745945, MONDO:0007931, OMIM 153700.
Retinitis pigmentosa 50 (RP50). Also called: Retinitis pigmentosa, concentric. Identifiers: Orphanet 791, MedGen C2750789, MONDO:0013175, OMIM 613194.
Autosomal recessive bestrophinopathy. Also called: Autosomal Recessive Bestrophinopathy (ARB). Identifiers: Orphanet 139455, MedGen C3888198, MONDO:0012733, OMIM 611809.
Autosomal dominant vitreoretinochoroidopathy. Also called: VITREORETINOCHOROIDOPATHY WITH MICROCORNEA, GLAUCOMA, AND CATARACT; Autosomal Dominant Vitreoretinochoroidopathy (ADVIRC); VITREORETINOCHOROIDOPATHY, AUTOSOMAL DOMINANT, WITH NANOPHTHALMOS. Identifiers: Orphanet 263347, Orphanet 3086, MedGen C3888099, MONDO:0008662, OMIM 193220.

Submissions (6):

Labcorp Genetics (formerly Invitae), Labcorp
Classification: Pathogenic. Last evaluated: 2025-10-16. Review status: criteria provided, single submitter. Criteria: Invitae Variant Classification Sherloc (09022015). Collection method: clinical testing. Allele origin: germline.
Comment: This sequence change replaces phenylalanine, which is neutral and non-polar, with leucine, which is neutral and non-polar, at codon 80 of the BEST1 protein (p.Phe80Leu). This variant is not present in population databases (gnomAD no frequency). This missense change has been observed in individuals with autosomal dominant Best vitelliform macular dystrophy (PMID: 25082885, 26201355). ClinVar contains an entry for this variant (Variation ID: 99695). Invitae Evidence Modeling of protein sequence and biophysical properties (such as structural, functional, and spatial information, amino acid conservation, physicochemical variation, residue mobility, and thermodynamic stability) indicates that this missense variant is expected to disrupt BEST1 protein function with a positive predictive value of 95%. Experimental studies have shown that this missense change affects BEST1 function (PMID: 21878505). This variant disrupts the p.Phe80 amino acid residue in BEST1. Other variant(s) that disrupt this residue have been observed in individuals with BEST1-related conditions (PMID: 21269699, 23213274), which suggests that this may be a clinically significant amino acid residue. For these reasons, this variant has been classified as Pathogenic.

PreventionGenetics, part of Exact Sciences
Classification: Pathogenic for BEST1-related condition. Last evaluated: 2025-04-08. Review status: criteria provided, single submitter. Criteria: ACMG Guidelines, 2015. Collection method: clinical testing. Allele origin: germline.
Comment: The BEST1 c.240C>A variant is predicted to result in the amino acid substitution p.Phe80Leu. This variant has been reported in the heterozygous state in individuals with Best vitelliform macular dystrophy (Lotery et al. 2000. PubMed ID: 10798642; Alapati et al. 2014. PubMed ID: 25082885; Katagiri et al. 2015. PubMed ID: 26201355). Alternate substitutions of this amino acid (p.Phe80Val and p.Phe80Cys) and the adjacent amino acid (p.Val81Met and p.Val81Leu) have also been reported in individuals with bestrophinopathies (Meunier et al. 2011. PubMed ID: 21269699; Sodi et al. 2012. PubMed ID: 23213274; Lin et al. 2024. PubMed ID: 38219857; Guo et al. 2018. PubMed ID: 29781975). This c.240C>A (p.Phe80Leu) variant is absent in a large population database, indicating this variant is rare. Given the evidence, we interpret this variant as pathogenic for autosomal dominant disease.

Fulgent Genetics
Classification: Pathogenic for Vitelliform macular dystrophy 2; Autosomal dominant vitreoretinochoroidopathy; Autosomal recessive bestrophinopathy; Retinitis pigmentosa 50. Last evaluated: 2024-03-20. Review status: criteria provided, single submitter. Criteria: ACMG Guidelines, 2015. Collection method: clinical testing. Allele origin: germline.

3billion
Classification: Pathogenic for Vitelliform macular dystrophy 2. Last evaluated: 2023-11-08. Review status: criteria provided, single submitter. Criteria: ACMG Guidelines, 2015. Collection method: clinical testing. Allele origin: germline. Affected: yes.
Comment: The variant is not observed in the gnomAD v2.1.1 dataset. Predicted Consequence/Location: Missense changes are a common disease-causing mechanism. In silico tool predictions suggest damaging effect of the variant on gene or gene product [REVEL: 0.91 (>=0.6, sensitivity 0.68 and specificity 0.92); 3Cnet: 0.99 (>=0.6, sensitivity 0.72 and precision 0.9)]. Same nucleotide change resulting in same amino acid change has been previously reported as pathogenic/likely pathogenic with strong evidence (ClinVar ID: VCV000099695 /PMID: 10798642). Different missense changes at the same codon (p.Phe80Cys, p.Phe80Ile, p.Phe80Val) have been reported as pathogenic/likely pathogenic with strong evidence (ClinVar ID: VCV000418062 /PMID: 21269699, 23213274). Therefore, this variant is classified as Pathogenic according to the recommendation of ACMG/AMP guideline.

Blueprint Genetics
Classification: Pathogenic for BEST1-related disorders. Last evaluated: 2022-05-19. Review status: criteria provided, single submitter. Criteria: ACMG Guidelines, 2015. Collection method: clinical testing. Allele origin: germline. Affected: yes. Observed: 5 variant alleles.

Retina International
No classification provided. Review status: no classification provided. Collection method: not provided. Allele origin: not provided. Not counted in ClinVar's aggregate classification.

Literature cited by the submitters: PubMed 25082885 (cited by Labcorp Genetics (formerly Invitae), Labcorp); PubMed 26201355 (cited by Labcorp Genetics (formerly Invitae), Labcorp); PubMed 21878505 (cited by Labcorp Genetics (formerly Invitae), Labcorp); PubMed 21269699 (cited by Labcorp Genetics (formerly Invitae), Labcorp and 3billion); PubMed 23213274 (cited by Labcorp Genetics (formerly Invitae), Labcorp); PubMed 10798642 (cited by 3billion).